The following is an entry in ClinVar:

NM_030632.3(ASXL3):c.3985A>G (p.Ser1329Gly)

Gene: ASXL3 (ASXL transcriptional regulator 3; plus strand). Cytogenetic location: 18q12.1.
Variant type: single nucleotide variant.
Coding change: c.3985A>G on transcript NM_030632.3 (MANE Select); coding-DNA position 3985, A replaced by G.
Protein change: p.Ser1329Gly; replaces serine 1329 with glycine.
Molecular consequence: missense variant.
Genome position (GRCh38, 1-based): chr18:33,743,833, A>G. VCF-style: chr18-33743833-A-G. GRCh37 (hg19) VCF-style: chr18-31323797-A-G.
Other names: short protein forms S1329G.
Identifiers: ClinVar variation 3036316 (VCV003036316.2), dbSNP rs778212426, ClinGen allele CA8934150.
Genomic context (GRCh38, chr18:33,743,833, plus strand): 5'-ACAGAGGGCTCCAGCATATCAAGCTCCATGGATGATAAGCAGTTACTAATATCAAGCAGC[A>G]GTGCTAGTAACTTAGTCTCCACTCAGTACACCTCTGTGCCAACTCCCTCCATCGGAAACA-3'
Protein context (NP_085135.1, residues 1319-1339): DDKQLLISSS[Ser1329Gly]ASNLVSTQYT

ClinVar aggregate classification (germline): Likely benign (0 of 4 stars; one submission).

Conditions:
ASXL3-related disorder. Also called: ASXL3-related condition. Identifiers: MedGen CN381524.

Allele frequency attached by ClinVar (database versions not stated): ExAC 0.00001; gnomAD exomes 0.00001.
gnomAD v4.1: 4 of 1,614,062 alleles (0.00025%); highest among the groups gnomAD compares: Admixed American, 0.005%; no homozygotes.

Submission:

PreventionGenetics, part of Exact Sciences
Classification: Likely benign for ASXL3-related condition. Last evaluated: 2023-08-02. Review status: no assertion criteria provided. Collection method: clinical testing. Allele origin: germline.
Comment: This variant is classified as likely benign based on ACMG/AMP sequence variant interpretation guidelines (Richards et al. 2015 PMID: 25741868, with internal and published modifications).